The following is an entry in ClinVar:

NM_000540.3(RYR1):c.112G>T (p.Ala38Ser)

Gene: RYR1 (ryanodine receptor 1; plus strand). Cytogenetic location: 19q13.2.
Variant type: single nucleotide variant.
Coding change: c.112G>T on transcript NM_000540.3 (MANE Select); coding-DNA position 112, G replaced by T.
Protein change: p.Ala38Ser; replaces alanine 38 with serine.
Molecular consequence: missense variant.
Genome position (GRCh38, 1-based): chr19:38,440,811, G>T. VCF-style: chr19-38440811-G-T. GRCh37 (hg19) VCF-style: chr19-38931451-G-T.
Other names: c.112G>T, p.Ala38Ser (NM_001042723.2); short protein forms A38S.
Identifiers: ClinVar variation 478158 (VCV000478158.9), dbSNP rs377558801, ClinGen allele CA056699.

ClinVar aggregate classification (germline): Uncertain significance. Review status: criteria provided, multiple submitters, no conflicts (2 of 4 stars). 4 submissions from 4 submitters: Uncertain significance (4). Last evaluated 2025-11-10.

Conditions:
Malignant hyperthermia, susceptibility to, 1 (MHS1). Also called: RYR1-Related Malignant Hyperthermia Susceptibility; Anesthesia related hyperthermia; Malignant hyperpyrexia; Fulminating hyperpyrexia; Pharmacogenic myopathy; Malignant hyperthermia suceptibility 1. Identifiers: Orphanet 423, MedGen C2930980, MONDO:0007783, OMIM 145600.
RYR1-related disorder. Also called: RYR1-related disorders; RYR1-related condition. Identifiers: MedGen CN239331.

Allele frequency attached by ClinVar (database versions not stated): TOPMed 0.00002; ESP Exome Variant Server 0.00008.
gnomAD v4.1: 54 of 1,609,048 alleles (0.0034%); highest among the groups gnomAD compares: Non-Finnish European, 0.0046%; no homozygotes.

Submissions (4):

Women's Health and Genetics/Laboratory Corporation of America, LabCorp
Classification: Uncertain significance. Last evaluated: 2025-11-10. Review status: criteria provided, single submitter. Criteria: LabCorp Variant Classification Summary - May 2015. Collection method: clinical testing. Allele origin: germline.
Comment: Variant summary: RYR1 c.112G>T (p.Ala38Ser) results in a conservative amino acid change in the encoded protein sequence. Algorithms developed to predict the effect of missense changes on protein structure and function are either unavailable or do not agree on the potential impact of this missense change. The variant allele was found at a frequency of 4.2e-06 in 236606 control chromosomes. The available data on variant occurrences in the general population are insufficient to allow any conclusion about variant significance. To our knowledge, no occurrence of c.112G>T in individuals affected with RYR1-related conditions and no experimental evidence demonstrating its impact on protein function have been reported. ClinVar contains an entry for this variant (Variation ID: 478158). Based on the evidence outlined above, the variant was classified as uncertain significance.

Labcorp Genetics (formerly Invitae), Labcorp
Classification: Uncertain significance for RYR1-related disorder. Last evaluated: 2025-09-03. Review status: criteria provided, single submitter. Criteria: Invitae Variant Classification Sherloc (09022015). Collection method: clinical testing. Allele origin: germline.
Comment: This sequence change replaces alanine, which is neutral and non-polar, with serine, which is neutral and polar, at codon 38 of the RYR1 protein (p.Ala38Ser). The frequency data for this variant in the population databases is considered unreliable, as metrics indicate poor data quality at this position in the gnomAD database. This variant has not been reported in the literature in individuals affected with RYR1-related conditions. ClinVar contains an entry for this variant (Variation ID: 478158). Invitae Evidence Modeling of protein sequence and biophysical properties (such as structural, functional, and spatial information, amino acid conservation, physicochemical variation, residue mobility, and thermodynamic stability) has been performed for this missense variant. However, the output from this modeling did not meet the statistical confidence thresholds required to predict the impact of this variant on RYR1 protein function. In summary, the available evidence is currently insufficient to determine the role of this variant in disease. Therefore, it has been classified as a Variant of Uncertain Significance.

Color Diagnostics, LLC DBA Color Health
Classification: Uncertain significance for Malignant hyperthermia, susceptibility to, 1. Last evaluated: 2025-05-21. Review status: criteria provided, single submitter. Criteria: ACMG Guidelines, 2015. Collection method: clinical testing. Allele origin: germline.
Comment: This missense variant replaces alanine with serine at codon 38 of the RYR1 protein. Computational prediction is inconclusive regarding the impact of this variant on protein structure and function. To our knowledge, functional studies have not been reported for this variant. This variant has not been reported in individuals affected with RYR1-related disorders in the literature. This variant has been identified in 2/267992 chromosomes in the general population by the Genome Aggregation Database (gnomAD). The available evidence is insufficient to determine the role of this variant in disease conclusively. Therefore, this variant is classified as a Variant of Uncertain Significance.

Blueprint Genetics
Classification: Uncertain significance. Last evaluated: 2023-06-12. Review status: criteria provided, single submitter. Criteria: ACMG Guidelines, 2015. Collection method: clinical testing. Allele origin: germline.